The following is an entry in ClinVar:

NM_001369268.1(ACAN):c.1427G>A (p.Gly476Glu)

Gene: ACAN (aggrecan; plus strand). Cytogenetic location: 15q26.1.
Variant type: single nucleotide variant.
Coding change: c.1427G>A on transcript NM_001369268.1 (MANE Select); coding-DNA position 1427, G replaced by A.
Protein change: p.Gly476Glu; replaces glycine 476 with glutamic acid.
Molecular consequence: missense variant.
Genome position (GRCh38, 1-based): chr15:88,845,880, G>A. VCF-style: chr15-88845880-G-A. GRCh37 (hg19) VCF-style: chr15-89389111-G-A.
Other names: c.1427G>A, p.Gly476Glu (NM_001135.4, NM_013227.4); short protein forms G476E.
Identifiers: ClinVar variation 1512730 (VCV001512730.8), dbSNP rs1160808564, ClinGen allele CA393710329.
Genomic context (GRCh38, chr15:88,845,880, plus strand): 5'-TCACCAGTGAGGACCTCGTCGTGCAGGTGACCGCTGTCCCTGGGCAGCCGCATTTGCCAG[G>A]GGGTAAGTAGCTGCCCGTGGGTGCATCCAGGGGCAGGTGGAGAGAACTTGGCCTGCAGGG-3'
Protein context (NP_001356197.1, residues 466-486): TAVPGQPHLP[Gly476Glu]GVVFHYRPGP

ClinVar aggregate classification (germline): Uncertain significance (1 of 4 stars; one submission).

Allele frequency attached by ClinVar (database versions not stated): gnomAD exomes below 0.00001; TOPMed below 0.00001; gnomAD 0.00001.
gnomAD v4.1: 5 of 1,450,922 alleles (0.00034%); highest among the groups gnomAD compares: African/African-American, 0.0014%; no homozygotes.

Submission:

Labcorp Genetics (formerly Invitae), Labcorp
Classification: Uncertain significance. Last evaluated: 2022-07-25. Review status: criteria provided, single submitter. Criteria: Invitae Variant Classification Sherloc (09022015). Collection method: clinical testing. Allele origin: germline.
Comment: In summary, the available evidence is currently insufficient to determine the role of this variant in disease. Therefore, it has been classified as a Variant of Uncertain Significance. Algorithms developed to predict the effect of missense changes on protein structure and function are either unavailable or do not agree on the potential impact of this missense change (SIFT: "Deleterious"; PolyPhen-2: "Not Available"; Align-GVGD: "Class C65"). ClinVar contains an entry for this variant (Variation ID: 1512730). This variant has not been reported in the literature in individuals affected with ACAN-related conditions. This variant is not present in population databases (gnomAD no frequency). This sequence change replaces glycine, which is neutral and non-polar, with glutamic acid, which is acidic and polar, at codon 476 of the ACAN protein (p.Gly476Glu).